The following is an entry in ClinVar:

NM_017780.4(CHD7):c.4944_4945del (p.Tyr1649fs)

Gene: CHD7 (chromodomain helicase DNA binding protein 7; plus strand). Cytogenetic location: 8q12.2.
Variant type: Microsatellite.
Coding change: c.4944_4945del on transcript NM_017780.4 (MANE Select); coding-DNA positions 4944 to 4945, 2 bases deleted (GT; older notation c.4944_4945delGT).
Protein change: p.Tyr1649fs; shifts the reading frame from tyrosine 1649.
Molecular consequence: frameshift variant. On other transcripts: intron variant (1).
Genome position (GRCh38, 1-based): chr8:60,844,957-60,844,958, GT deleted; deleting any 2 consecutive bases within chr8:60,844,955-60,844,958 gives the same sequence; the c. name uses the placement nearest the transcript's 3' end. VCF-style (leftmost placement, unchanged base first): chr8-60844954-GGT-G. GRCh37 (hg19) VCF-style: chr8-61757513-GGT-G.
Other names: c.1717-17272_1717-17271del (NM_001316690.1); short protein forms Y1649fs.
Identifiers: ClinVar variation 852941 (VCV000852941.7), dbSNP rs1805142029, ClinGen allele CA916080391.

ClinVar aggregate classification (germline): Pathogenic (1 of 4 stars; one submission).

Conditions:
CHARGE syndrome (CHARGE). Also called: CHARGE ASSOCIATION--COLOBOMA, HEART ANOMALY, CHOANAL ATRESIA, RETARDATION, GENITAL AND EAR ANOMALIES; Coloboma, heart anomaly, choanal atresia, retardation, genital and ear anomalies; CHARGE association; Hall-Hittner syndrome; Hittner Hirsch Kreh syndrome. Identifiers: Orphanet 138, MedGen C0265354, MONDO:0008965.

Submission:

Labcorp Genetics (formerly Invitae), Labcorp
Classification: Pathogenic for CHARGE syndrome. Last evaluated: 2024-10-15. Review status: criteria provided, single submitter. Criteria: Invitae Variant Classification Sherloc (09022015). Collection method: clinical testing. Allele origin: germline.
Comment: This sequence change creates a premature translational stop signal (p.Tyr1649Leufs*3) in the CHD7 gene. It is expected to result in an absent or disrupted protein product. Loss-of-function variants in CHD7 are known to be pathogenic (PMID: 22461308, 25077900). This variant is not present in population databases (gnomAD no frequency). This variant has not been reported in the literature in individuals affected with CHD7-related conditions. ClinVar contains an entry for this variant (Variation ID: 852941). For these reasons, this variant has been classified as Pathogenic.

Literature cited by the submitters: PubMed 22461308; PubMed 25077900.